The following is an entry in ClinVar:

ClinVar aggregate classification (germline): Uncertain significance (1 of 4 stars; one submission).

Conditions:
Inborn genetic diseases. Identifiers: MedGen C0950123, MeSH D030342.

gnomAD v4.1: 2 of 1,614,136 alleles (0.00012%); highest among the groups gnomAD compares: Non-Finnish European, 0.00017%; no homozygotes.

Submission:

Ambry Genetics
Classification: Uncertain significance for Inborn genetic diseases. Last evaluated: 2024-11-22. Review status: criteria provided, single submitter. Criteria: Ambry Variant Classification Scheme 2023. Collection method: clinical testing. Allele origin: germline.
Comment: The p.G1347V variant (also known as c.4040G>T), located in coding exon 13 of the ASXL1 gene, results from a G to T substitution at nucleotide position 4040. The glycine at codon 1347 is replaced by valine, an amino acid with dissimilar properties. This amino acid position is conserved. In addition, this alteration is predicted to be tolerated by in silico analysis. Based on the available evidence, the clinical significance of this variant remains unclear.

NM_015338.6(ASXL1):c.4040G>T (p.Gly1347Val)

Gene: ASXL1 (ASXL transcriptional regulator 1; plus strand). Cytogenetic location: 20q11.21.
Variant type: single nucleotide variant.
Coding change: c.4040G>T on transcript NM_015338.6 (MANE Select); coding-DNA position 4040, G replaced by T.
Protein change: p.Gly1347Val; replaces glycine 1347 with valine.
Molecular consequence: missense variant.
Genome position (GRCh38, 1-based): chr20:32,436,752, G>T. VCF-style: chr20-32436752-G-T. GRCh37 (hg19) VCF-style: chr20-31024555-G-T.
Other names: c.3857G>T, p.Gly1286Val (NM_001363734.1); short protein forms G1286V, G1347V.
Identifiers: ClinVar variation 3438612 (VCV003438612.1).